The following is an entry in ClinVar:

ClinVar aggregate classification (germline): Uncertain significance (1 of 4 stars; one submission).

Conditions:
Inborn genetic diseases. Identifiers: MedGen C0950123, MeSH D030342.

Allele frequency attached by ClinVar (database versions not stated): gnomAD exomes below 0.00001; TOPMed below 0.00001.
gnomAD v4.1: 2 of 1,614,106 alleles (0.00012%); highest among the groups gnomAD compares: South Asian, 0.0011%; no homozygotes.

Submission:

Ambry Genetics
Classification: Uncertain significance for Inborn genetic diseases. Last evaluated: 2023-12-16. Review status: criteria provided, single submitter. Criteria: Ambry Variant Classification Scheme 2023. Collection method: clinical testing. Allele origin: germline.
Comment: The p.R442C variant (also known as c.1324C>T), located in coding exon 7 of the LTBP3 gene, results from a C to T substitution at nucleotide position 1324. The arginine at codon 442 is replaced by cysteine, an amino acid with highly dissimilar properties. This amino acid position is conserved. In addition, this alteration is predicted to be deleterious by in silico analysis. Since supporting evidence is limited at this time, the clinical significance of this alteration remains unclear.

NM_001130144.3(LTBP3):c.1324C>T (p.Arg442Cys)

Gene: LTBP3 (latent transforming growth factor beta binding protein 3; minus strand). Cytogenetic location: 11q13.1.
Variant type: single nucleotide variant.
Coding change: c.1324C>T on transcript NM_001130144.3 (MANE Select); coding-DNA position 1324, C replaced by T.
Protein change: p.Arg442Cys; replaces arginine 442 with cysteine.
Molecular consequence: missense variant.
Genome position (GRCh38, 1-based): chr11:65,552,269, G>A on the plus strand (C>T on the coding strand, the complement: LTBP3 is on the minus strand). VCF-style: chr11-65552269-G-A. GRCh37 (hg19) VCF-style: chr11-65319740-G-A.
Other names: c.973C>T, p.Arg325Cys (NM_001164266.1); c.1324C>T, p.Arg442Cys (NM_021070.4); short protein forms R325C, R442C.
Identifiers: ClinVar variation 2378227 (VCV002378227.2), dbSNP rs1399687678, ClinGen allele CA381273754.